The following is an entry in ClinVar:

NM_001077418.3(TMEM231):c.804C>T (p.Phe268=)

Gene: TMEM231 (transmembrane protein 231; minus strand). Cytogenetic location: 16q23.1.
Variant type: single nucleotide variant.
Coding change: c.804C>T on transcript NM_001077418.3 (MANE Select); coding-DNA position 804, C replaced by T.
Protein change: p.Phe268=; no amino-acid change (phenylalanine 268 retained).
Molecular consequence: synonymous variant. On other transcripts: non-coding transcript variant (1).
Genome position (GRCh38, 1-based): chr16:75,540,141, G>A on the plus strand (C>T on the coding strand, the complement: TMEM231 is on the minus strand). VCF-style: chr16-75540141-G-A. GRCh37 (hg19) VCF-style: chr16-75574039-G-A.
Other names: c.963C>T, p.Phe321= (NM_001077416.2).
Identifiers: ClinVar variation 501272 (VCV000501272.20), dbSNP rs149118721, ClinGen allele CA8176015.

ClinVar aggregate classification (germline): Benign/Likely benign. Review status: criteria provided, multiple submitters, no conflicts (2 of 4 stars). 6 submissions from 6 submitters: Benign (1); Likely benign (4). 1 of the submissions does not count toward it. Last evaluated 2026-02-01.

Conditions:
TMEM231-related disorder. Also called: TMEM231-related condition.
Joubert syndrome 20 (JBTS20). Identifiers: Orphanet 475, MedGen C3554235, MONDO:0013994, OMIM 614970.
Meckel syndrome, type 11 (MKS11). Identifiers: Orphanet 564, MedGen C3809352, MONDO:0014164, OMIM 615397.

Allele frequency attached by ClinVar (database versions not stated): TOPMed 0.00145; gnomAD exomes 0.00015 and 0.00032; ExAC 0.00037; ESP Exome Variant Server 0.00099; 1000 Genomes Project 0.00120; gnomAD 0.00133 and 0.00144; 1000 Genomes Project 30x 0.00141.
gnomAD v4.1: 431 of 1,613,548 alleles (0.027%); highest among the groups gnomAD compares: African/African-American, 0.47%; no homozygotes.

Submissions (6):

Labcorp Genetics (formerly Invitae), Labcorp
Classification: Benign for Joubert syndrome 20; Meckel syndrome, type 11. Last evaluated: 2026-02-01. Review status: criteria provided, single submitter. Criteria: Invitae Variant Classification Sherloc (09022015). Collection method: clinical testing. Allele origin: germline.

Blueprint Genetics
Classification: Likely benign. Last evaluated: 2024-10-10. Review status: criteria provided, single submitter. Criteria: ACMG Guidelines, 2015. Collection method: clinical testing. Allele origin: germline.

GeneDx
Classification: Likely benign. Last evaluated: 2020-09-02. Review status: criteria provided, single submitter. Criteria: GeneDx Variant Classification Process June 2021. Collection method: clinical testing. Allele origin: germline. Affected: yes.

Eurofins Ntd Llc (ga)
Classification: Likely benign. Last evaluated: 2017-04-04. Review status: criteria provided, single submitter. Criteria: EGL Classification Definitions 2015. Collection method: clinical testing. Allele origin: germline. Observed: 1 variant allele, 1 heterozygote.

Breakthrough Genomics
Classification: Likely benign. Review status: criteria provided, single submitter. Criteria: ACMG Guidelines, 2015. Collection method: not provided. Allele origin: germline. Inheritance: Autosomal recessive inheritance. Affected: yes.

PreventionGenetics, part of Exact Sciences
Classification: Likely benign for TMEM231-related condition. Last evaluated: 2021-09-21. Review status: no assertion criteria provided. Collection method: clinical testing. Allele origin: germline. Not counted in ClinVar's aggregate classification.
Comment: This variant is classified as likely benign based on ACMG/AMP sequence variant interpretation guidelines (Richards et al. 2015 PMID: 25741868, with internal and published modifications).